The following is an entry in ClinVar:

NM_000092.5(COL4A4):c.3817G>A (p.Gly1273Arg)

Gene: COL4A4 (collagen type IV alpha 4 chain; minus strand). Cytogenetic location: 2q36.3.
Variant type: single nucleotide variant.
Coding change: c.3817G>A on transcript NM_000092.5 (MANE Select); coding-DNA position 3817, G replaced by A.
Protein change: p.Gly1273Arg; replaces glycine 1273 with arginine.
Molecular consequence: missense variant.
Genome position (GRCh38, 1-based): chr2:227,031,945, C>T on the plus strand (G>A on the coding strand, the complement: COL4A4 is on the minus strand). VCF-style: chr2-227031945-C-T. GRCh37 (hg19) VCF-style: chr2-227896661-C-T.
Other names: short protein forms G1273R.
Identifiers: ClinVar variation 2603860 (VCV002603860.3), dbSNP rs1482757506, ClinGen allele CA350837493.

ClinVar aggregate classification (germline): Conflicting classifications of pathogenicity. Review status: criteria provided, conflicting classifications (1 of 4 stars). 2 submissions from 2 submitters: Likely pathogenic (1); Uncertain significance (1). Last evaluated 2023-07-25.

Conditions:
COL4A4-related disorder.
Inborn genetic diseases. Identifiers: MedGen C0950123, MeSH D030342.

Allele frequency attached by ClinVar (database versions not stated): gnomAD 0.00001.
gnomAD v4.1: 1 of 1,605,524 alleles (0.000062%); highest among the groups gnomAD compares: East Asian, 0.0022%; no homozygotes.

Submissions (2):

Ambry Genetics
Classification: Uncertain significance for Inborn genetic diseases. Last evaluated: 2023-07-25. Review status: criteria provided, single submitter. Criteria: Ambry Variant Classification Scheme 2023. Collection method: clinical testing. Allele origin: germline.
Comment: The c.3817G>A (p.G1273R) alteration is located in exon 40 (coding exon 39) of the COL4A4 gene. This alteration results from a G to A substitution at nucleotide position 3817, causing the glycine (G) at amino acid position 1273 to be replaced by an arginine (R). Based on data from gnomAD, the A allele has an overall frequency of 0.003% (1/31376) total alleles studied. The highest observed frequency was 0.064% (1/1558) of East Asian alleles. This variant has been observed as heterozygous in one individual with clinical features consistent with COL4A4-related Alport syndrome (Bullich, 2018). This amino acid position is highly conserved in available vertebrate species. The p.G1273R amino acid is located within the triple-helical domain of the collagen alpha-4(IV) chain, and affects one of the highly conserved glycine residues in the Gly-X-Y motif that make up this domain (Ramshaw, 1998). This alteration is predicted to be deleterious by in silico analysis. Based on insufficient or conflicting evidence, the clinical significance of this alteration remains unclear.

Blueprint Genetics
Classification: Likely pathogenic for COL4A4-related disorders. Last evaluated: 2021-09-13. Review status: criteria provided, single submitter. Criteria: ACMG Guidelines, 2015. Collection method: clinical testing. Allele origin: germline. Affected: yes. Observed: 1 variant allele.

Literature cited by the submitters: PubMed 9724608 (cited by Ambry Genetics); PubMed 29801666 (cited by Ambry Genetics).